The following is an entry in ClinVar:

NM_001128840.3(CACNA1D):c.5568C>A (p.Ser1856Arg)

Gene: CACNA1D (calcium voltage-gated channel subunit alpha1 D; plus strand). Cytogenetic location: 3p21.1.
Variant type: single nucleotide variant.
Coding change: c.5568C>A on transcript NM_001128840.3 (MANE Select); coding-DNA position 5568, C replaced by A.
Protein change: p.Ser1856Arg; replaces serine 1856 with arginine.
Molecular consequence: missense variant.
Genome position (GRCh38, 1-based): chr3:53,803,555, C>A. VCF-style: chr3-53803555-C-A. GRCh37 (hg19) VCF-style: chr3-53837582-C-A.
Other names: c.5628C>A, p.Ser1876Arg (NM_000720.4); c.5496C>A, p.Ser1832Arg (NM_001128839.3); c.5628C>A (NM_000720.2); short protein forms S1856R, S1876R, S1832R.
Identifiers: ClinVar variation 1514899 (VCV001514899.11), dbSNP rs1280489244, ClinGen allele CA353253917.

ClinVar aggregate classification (germline): Uncertain significance. Review status: criteria provided, multiple submitters, no conflicts (2 of 4 stars). 3 submissions from 3 submitters: Uncertain significance (3). Last evaluated 2026-04-30.

Conditions:
Inborn genetic diseases. Identifiers: MedGen C0950123, MeSH D030342.

Allele frequency attached by ClinVar (database versions not stated): TOPMed below 0.00001; gnomAD exomes 0.00001.
gnomAD v4.1: 3 of 1,614,098 alleles (0.00019%); highest among the groups gnomAD compares: Admixed American, 0.005%; no homozygotes.

Submissions (3):

GeneDx
Classification: Uncertain significance. Last evaluated: 2026-04-30. Review status: criteria provided, single submitter. Criteria: GeneDx Variant Classification Process June 2021. Collection method: clinical testing. Allele origin: germline.
Comment: In silico analysis suggests that this missense variant does not alter protein structure/function; Has not been previously published as pathogenic or benign to our knowledge

Ambry Genetics
Classification: Uncertain significance for Inborn genetic diseases. Last evaluated: 2025-07-15. Review status: criteria provided, single submitter. Criteria: Ambry Variant Classification Scheme 2023. Collection method: clinical testing. Allele origin: germline.

Labcorp Genetics (formerly Invitae), Labcorp
Classification: Uncertain significance. Last evaluated: 2025-01-13. Review status: criteria provided, single submitter. Criteria: Invitae Variant Classification Sherloc (09022015). Collection method: clinical testing. Allele origin: germline.
Comment: This sequence change replaces serine, which is neutral and polar, with arginine, which is basic and polar, at codon 1876 of the CACNA1D protein (p.Ser1876Arg). This variant is present in population databases (no rsID available, gnomAD 0.009%). This variant has not been reported in the literature in individuals affected with CACNA1D-related conditions. ClinVar contains an entry for this variant (Variation ID: 1514899). An algorithm developed to predict the effect of missense changes on protein structure and function (PolyPhen-2) suggests that this variant is likely to be tolerated. In summary, the available evidence is currently insufficient to determine the role of this variant in disease. Therefore, it has been classified as a Variant of Uncertain Significance.